The following is an entry in ClinVar:

NM_001282933.2(ZNF341):c.905G>A (p.Arg302Gln)

Gene: ZNF341 (zinc finger protein 341; plus strand). Cytogenetic location: 20q11.22.
Variant type: single nucleotide variant.
Coding change: c.905G>A on transcript NM_001282933.2 (MANE Select); coding-DNA position 905, G replaced by A.
Protein change: p.Arg302Gln; replaces arginine 302 with glutamine.
Molecular consequence: missense variant. On other transcripts: non-coding transcript variant (1).
Genome position (GRCh38, 1-based): chr20:33,757,311, G>A. VCF-style: chr20-33757311-G-A. GRCh37 (hg19) VCF-style: chr20-32345117-G-A.
Other names: c.635G>A, p.Arg212Gln (NM_001282935.2); c.905G>A, p.Arg302Gln (NM_032819.5); c.905G>A (NM_032819.3); short protein forms R212Q, R302Q.
Identifiers: ClinVar variation 1361170 (VCV001361170.6), dbSNP rs756363138, ClinGen allele CA9819303.

ClinVar aggregate classification (germline): Uncertain significance. Review status: criteria provided, multiple submitters, no conflicts (2 of 4 stars). 2 submissions from 2 submitters: Uncertain significance (2). Last evaluated 2025-08-11.

Allele frequency attached by ClinVar (database versions not stated): TOPMed below 0.00001; gnomAD 0.00001; gnomAD exomes 0.00003; ExAC 0.00004.
gnomAD v4.1: 40 of 1,584,512 alleles (0.0025%); highest among the groups gnomAD compares: Middle Eastern, 0.017%; no homozygotes.

Submissions (2):

Ambry Genetics
Classification: Uncertain significance. Last evaluated: 2025-08-11. Review status: criteria provided, single submitter. Criteria: Ambry Variant Classification Scheme 2023. Collection method: clinical testing. Allele origin: germline.

Labcorp Genetics (formerly Invitae), Labcorp
Classification: Uncertain significance. Last evaluated: 2022-08-16. Review status: criteria provided, single submitter. Criteria: Invitae Variant Classification Sherloc (09022015). Collection method: clinical testing. Allele origin: germline.
Comment: This sequence change replaces arginine, which is basic and polar, with glutamine, which is neutral and polar, at codon 302 of the ZNF341 protein (p.Arg302Gln). This variant is present in population databases (rs756363138, gnomAD 0.01%). This variant has not been reported in the literature in individuals affected with ZNF341-related conditions. ClinVar contains an entry for this variant (Variation ID: 1361170). Algorithms developed to predict the effect of missense changes on protein structure and function are either unavailable or do not agree on the potential impact of this missense change (SIFT: "Deleterious"; PolyPhen-2: "Benign"; Align-GVGD: "Class C0"). In summary, the available evidence is currently insufficient to determine the role of this variant in disease. Therefore, it has been classified as a Variant of Uncertain Significance.